The following is an entry in ClinVar:

ClinVar aggregate classification (germline): Likely benign. Review status: criteria provided, multiple submitters, no conflicts (2 of 4 stars). 4 submissions from 4 submitters: Likely benign (4). Last evaluated 2024-03-24.

Conditions:
Cardiomyopathy (CMYO). Also called: Cardiomyopathies. Identifiers: Orphanet 167848, MedGen C0878544, MONDO:0004994, HP:0001638. Inheritance: Various modes of inheritance.
Arrhythmogenic right ventricular dysplasia 11. Also called: Arrhythmogenic right ventricular dysplasia 11 with mild palmoplantar keratoderma and woolly hair; Arrhythmogenic Right Ventricular Dysplasia/Cardiomyopathy11; ARRHYTHMOGENIC RIGHT VENTRICULAR DYSPLASIA, FAMILIAL, 11. Identifiers: MedGen C1864850, MONDO:0012506, OMIM 610476.
Familial isolated arrhythmogenic right ventricular dysplasia. Identifiers: Orphanet 217656, MedGen C4274968, MONDO:0016342.
Cardiovascular phenotype. Identifiers: MedGen CN230736.

Allele frequency attached by ClinVar (database versions not stated): gnomAD exomes 0.00001; TOPMed 0.00002; gnomAD 0.00003; ExAC 0.00003.
gnomAD v4.1: 12 of 1,613,756 alleles (0.00074%); highest among the groups gnomAD compares: Non-Finnish European, 0.001%; no homozygotes.

Submissions (4):

All of Us Research Program, National Institutes of Health
Classification: Likely benign for Familial isolated arrhythmogenic right ventricular dysplasia. Last evaluated: 2024-03-24. Review status: criteria provided, single submitter. Criteria: ACMG Guidelines, 2015. Collection method: clinical testing. Allele origin: germline. Inheritance: Autosomal dominant inheritance. Observed: 4 variant alleles, 4 heterozygotes.
Comment: This study involves interpretation of variants in research participants for the purpose of population health screening. Participant phenotype was not available at the time of variant classification. Additional details can be found in publication PMID: 35346344, PMCID: PMC8962531

Labcorp Genetics (formerly Invitae), Labcorp
Classification: Likely benign for Arrhythmogenic right ventricular dysplasia 11. Last evaluated: 2023-08-17. Review status: criteria provided, single submitter. Criteria: Invitae Variant Classification Sherloc (09022015). Collection method: clinical testing. Allele origin: germline.

Ambry Genetics
Classification: Likely benign for Cardiovascular phenotype. Last evaluated: 2022-07-19. Review status: criteria provided, single submitter. Criteria: Ambry Variant Classification Scheme 2023. Collection method: clinical testing. Allele origin: germline.

Color Diagnostics, LLC DBA Color Health
Classification: Likely benign for Cardiomyopathy. Last evaluated: 2018-06-25. Review status: criteria provided, single submitter. Criteria: ACMG Guidelines, 2015. Collection method: clinical testing. Allele origin: germline.

NM_024422.6(DSC2):c.1881A>G (p.Ala627=)

Gene: DSC2 (desmocollin 2; minus strand). Cytogenetic location: 18q12.1.
Variant type: single nucleotide variant.
Coding change: c.1881A>G on transcript NM_024422.6 (MANE Select); coding-DNA position 1881, A replaced by G.
Protein change: p.Ala627=; no amino-acid change (alanine 627 retained).
Molecular consequence: synonymous variant.
Genome position (GRCh38, 1-based): chr18:31,074,690, T>C on the plus strand (A>G on the coding strand, the complement: DSC2 is on the minus strand). VCF-style: chr18-31074690-T-C. GRCh37 (hg19) VCF-style: chr18-28654656-T-C.
Other names: c.1881A>G, p.Ala627= (NM_004949.5).
Identifiers: ClinVar variation 631449 (VCV000631449.9), dbSNP rs752023626, ClinGen allele CA033542.